The following is an entry in ClinVar:

ClinVar aggregate classification (germline): Uncertain significance (1 of 4 stars; one submission).

gnomAD v4.1: 1 of 1,613,792 alleles (0.000062%); highest among the groups gnomAD compares: Non-Finnish European, 0.000085%; no homozygotes.

Submission:

GeneDx
Classification: Uncertain significance. Last evaluated: 2026-03-17. Review status: criteria provided, single submitter. Criteria: GeneDx Variant Classification Process June 2021. Collection method: clinical testing. Allele origin: germline.
Comment: Not observed at significant frequency in large population cohorts (gnomAD); In silico analysis suggests that this missense variant does not alter protein structure/function; Has not been previously published as pathogenic or benign to our knowledge

NM_012082.4(ZFPM2):c.1874G>C (p.Cys625Ser)

Genes: ZFPM2 (zinc finger protein, FOG family member 2; plus strand), ZFPM2-AS1 (ZFPM2 antisense RNA 1; minus strand). Cytogenetic location: 8q23.1.
Variant type: single nucleotide variant.
Coding change: c.1874G>C on transcript NM_012082.4 (MANE Select); coding-DNA position 1874, G replaced by C.
Protein change: p.Cys625Ser; replaces cysteine 625 with serine.
Molecular consequence: missense variant.
Genome position (GRCh38, 1-based): chr8:105,801,956, G>C. VCF-style: chr8-105801956-G-C. GRCh37 (hg19) VCF-style: chr8-106814184-G-C.
Other names: c.1715G>C, p.Cys572Ser (NM_001362836.2); c.1478G>C, p.Cys493Ser (NM_001362837.2); short protein forms C493S, C572S, C625S.
Identifiers: ClinVar variation 5009365 (VCV005009365.1).
Genomic context (GRCh38, chr8:105,801,956, plus strand): 5'-ACCTTCTCAACCCAGCTGCTCATTCTGCTGATCCTGAGAATCCACTTCTTCAAACATCTT[G>C]CATCAATTCTTCCACTGTCTTAGATTTAATTGGGCCAAATGGGAAGGGCCATGACAAGGA-3'
Protein context (NP_036214.2, residues 615-635): DPENPLLQTS[Cys625Ser]INSSTVLDLI